The following is an entry in ClinVar:

ClinVar aggregate classification (germline): Likely benign. Review status: criteria provided, multiple submitters, no conflicts (2 of 4 stars). 2 submissions from 2 submitters: Likely benign (2). Last evaluated 2026-02-01.

Allele frequency attached by ClinVar (database versions not stated): TOPMed 0.00014; gnomAD 0.00019; 1000 Genomes Project 30x 0.00156; 1000 Genomes Project 0.00160.
gnomAD v4.1: 612 of 1,597,822 alleles (0.038%); highest among the groups gnomAD compares: South Asian, 0.36%; 23 homozygotes.

Submissions (2):

CeGaT Center for Human Genetics Tuebingen
Classification: Likely benign. Last evaluated: 2026-02-01. Review status: criteria provided, single submitter. Criteria: CeGaT Center For Human Genetics Tuebingen Variant Classification Criteria Version 2. Collection method: clinical testing. Allele origin: germline. Affected: yes. Observed: 6 variant alleles.
Comment: ZMYM2: BS2

Blueprint Genetics
Classification: Likely benign. Last evaluated: 2024-11-25. Review status: criteria provided, single submitter. Criteria: ACMG Guidelines, 2015. Collection method: clinical testing. Allele origin: germline.

NM_197968.4(ZMYM2):c.1557G>A (p.Met519Ile)

Gene: ZMYM2 (zinc finger MYM-type containing 2; plus strand). Cytogenetic location: 13q12.11.
Variant type: single nucleotide variant.
Coding change: c.1557G>A on transcript NM_197968.4 (MANE Select); coding-DNA position 1557, G replaced by A.
Protein change: p.Met519Ile; replaces methionine 519 with isoleucine.
Molecular consequence: missense variant. On other transcripts: non-coding transcript variant (1).
Genome position (GRCh38, 1-based): chr13:20,019,591, G>A. VCF-style: chr13-20019591-G-A. GRCh37 (hg19) VCF-style: chr13-20593731-G-A.
Other names: c.1557G>A, p.Met519Ile (NM_001190964.4, NM_001190965.4, NM_001353157.2 and 5 more transcripts); c.1362G>A, p.Met454Ile (NM_001353161.3); c.1296G>A, p.Met432Ile (NM_001353163.2); short protein forms M432I, M454I, M519I.
Identifiers: ClinVar variation 2643666 (VCV002643666.25), dbSNP rs201534436, ClinGen allele CA6903372.
Genomic context (GRCh38, chr13:20,019,591, plus strand): 5'-TAAAATCTTTTTTTAGGTAGGTAGCCATCCAAGCTTCCTGAAGGAGGTTCGAGATCACAT[G>A]CAGGACTCTTTCTTAATGCAGCCTGAGGTAAGCAGGAATGTAAATGGAGTTCAAGGCCTT-3'
Protein context (NP_932072.1, residues 509-529): PSFLKEVRDH[Met519Ile]QDSFLMQPEK